The following is an entry in ClinVar:

ClinVar aggregate classification (germline): Uncertain significance (1 of 4 stars; one submission).

Submission:

Ambry Genetics
Classification: Uncertain significance. Last evaluated: 2024-08-05. Review status: criteria provided, single submitter. Criteria: Ambry Variant Classification Scheme 2023. Collection method: clinical testing. Allele origin: germline.
Comment: The p.D1049H variant (also known as c.3145G>C), located in coding exon 28 of the KIF1B gene, results from a G to C substitution at nucleotide position 3145. The aspartic acid at codon 1049 is replaced by histidine, an amino acid with similar properties. This amino acid position is conserved. In addition, this alteration is predicted to be deleterious by in silico analysis. Based on the available evidence, the clinical significance of this variant remains unclear.

NM_001365951.3(KIF1B):c.3283G>C (p.Asp1095His)

Gene: KIF1B (kinesin family member 1B; plus strand). Cytogenetic location: 1p36.22.
Variant type: single nucleotide variant.
Coding change: c.3283G>C on transcript NM_001365951.3 (MANE Select); coding-DNA position 3283, G replaced by C.
Protein change: p.Asp1095His; replaces aspartic acid 1095 with histidine.
Molecular consequence: missense variant.
Genome position (GRCh38, 1-based): chr1:10,337,394, G>C. VCF-style: chr1-10337394-G-C. GRCh37 (hg19) VCF-style: chr1-10397452-G-C.
Other names: c.3283G>C, p.Asp1095His (NM_001365952.1); c.3145G>C, p.Asp1049His (NM_015074.3); short protein forms D1095H, D1049H.
Identifiers: ClinVar variation 3533962 (VCV003533962.1).